The following is an entry in ClinVar:

NM_001257357.2(RAB44):c.2332T>C (p.Ser778Pro)

Gene: RAB44 (RAB44, member RAS oncogene family; plus strand). Cytogenetic location: 6p21.2.
Variant type: single nucleotide variant.
Coding change: c.2332T>C on transcript NM_001257357.2 (MANE Select); coding-DNA position 2332, T replaced by C.
Protein change: p.Ser778Pro; replaces serine 778 with proline.
Molecular consequence: missense variant.
Genome position (GRCh38, 1-based): chr6:36,722,466, T>C. VCF-style: chr6-36722466-T-C. GRCh37 (hg19) VCF-style: chr6-36690243-T-C.
Other names: short protein forms S778P.
Identifiers: ClinVar variation 2673060 (VCV002673060.23), dbSNP rs534527709, ClinGen allele CA3780587.

ClinVar aggregate classification (germline): Likely benign (1 of 4 stars; one submission).

Allele frequency attached by ClinVar (database versions not stated): 1000 Genomes Project 0.00080; 1000 Genomes Project 30x 0.00094; TOPMed 0.00105; gnomAD 0.00107; gnomAD exomes 0.00125; ExAC 0.00164.
gnomAD v4.1: 1,767 of 1,447,354 alleles (0.12%); highest among the groups gnomAD compares: Admixed American, 0.28%; no homozygotes.

Submission:

CeGaT Center for Human Genetics Tuebingen
Classification: Likely benign. Last evaluated: 2023-11-01. Review status: criteria provided, single submitter. Criteria: CeGaT Center For Human Genetics Tuebingen Variant Classification Criteria Version 2. Collection method: clinical testing. Allele origin: germline. Affected: yes. Observed: 1 variant allele.
Comment: RAB44: BP4